The following is an entry in ClinVar:

NM_001080397.3(SLC45A1):c.1954C>T (p.Leu652Phe)

Gene: SLC45A1 (solute carrier family 45 member 1; plus strand). Cytogenetic location: 1p36.23.
Variant type: single nucleotide variant.
Coding change: c.1954C>T on transcript NM_001080397.3 (MANE Select); coding-DNA position 1954, C replaced by T.
Protein change: p.Leu652Phe; replaces leucine 652 with phenylalanine.
Molecular consequence: missense variant.
Genome position (GRCh38, 1-based): chr1:8,339,672, C>T. VCF-style: chr1-8339672-C-T. GRCh37 (hg19) VCF-style: chr1-8399732-C-T.
Other names: c.1978C>T, p.Leu660Phe (NM_001379614.1); c.1885C>T, p.Leu629Phe (NM_001379615.1); c.1861C>T, p.Leu621Phe (NM_001379616.1); c.1372C>T, p.Leu458Phe (NM_001379617.1); c.1348C>T, p.Leu450Phe (NM_001379618.1); short protein forms L450F, L660F, L458F, L621F, L629F, L652F.
Identifiers: ClinVar variation 1029020 (VCV001029020.1), dbSNP rs534819852, ClinGen allele CA338166842.

ClinVar aggregate classification (germline): Uncertain significance (1 of 4 stars; one submission).

Conditions:
Intellectual developmental disorder with neuropsychiatric features. Identifiers: MedGen C4479636, MONDO:0044322, OMIM 617532.

Allele frequency attached by ClinVar (database versions not stated): TOPMed below 0.00001 and 0.00001.
gnomAD v4.1: 2 of 1,614,168 alleles (0.00012%); highest among the groups gnomAD compares: Non-Finnish European, 0.00017%; no homozygotes.

Submission:

Baylor Genetics
Classification: Uncertain significance for Intellectual developmental disorder with neuropsychiatric features. Last evaluated: 2019-07-12. Review status: criteria provided, single submitter. Criteria: ACMG Guidelines, 2015. Collection method: clinical testing. Allele origin: unknown. Affected: yes.
Comment: This variant was determined to be of uncertain significance according to ACMG Guidelines, 2015 [PMID:25741868].